The following is an entry in ClinVar:

ClinVar aggregate classification (germline): Pathogenic (1 of 4 stars; one submission).

Submission:

Labcorp Genetics (formerly Invitae), Labcorp
Classification: Pathogenic. Last evaluated: 2022-06-10. Review status: criteria provided, single submitter. Criteria: Invitae Variant Classification Sherloc (09022015). Collection method: clinical testing. Allele origin: germline.
Comment: For these reasons, this variant has been classified as Pathogenic. This variant has not been reported in the literature in individuals affected with LRP2-related conditions. This variant is not present in population databases (gnomAD no frequency). This sequence change creates a premature translational stop signal (p.Asn1035Metfs*151) in the LRP2 gene. It is expected to result in an absent or disrupted protein product. Loss-of-function variants in LRP2 are known to be pathogenic (PMID: 17632512, 25682901).

Literature cited by the submitters: PubMed 17632512; PubMed 25682901.

NM_004525.3(LRP2):c.3104del (p.Asn1035fs)

Gene: LRP2 (LDL receptor related protein 2; minus strand). Cytogenetic location: 2q31.1.
Variant type: Deletion.
Coding change: c.3104del on transcript NM_004525.3 (MANE Select); coding-DNA position 3104, one base deleted (A; older notation c.3104delA).
Protein change: p.Asn1035fs; shifts the reading frame from asparagine 1035.
Molecular consequence: frameshift variant.
Genome position (GRCh38, 1-based): chr2:169,246,791, T deleted on the plus strand (A on the coding strand, the reverse complement: LRP2 is on the minus strand); the first of 5 consecutive T bases (chr2:169,246,791-169,246,795); deleting any one gives the same sequence. VCF-style (leftmost placement, unchanged base first): chr2-169246790-AT-A. GRCh37 (hg19) VCF-style: chr2-170103300-AT-A.
Other names: short protein forms N1035fs.
Identifiers: ClinVar variation 2088878 (VCV002088878.4), dbSNP rs2528397405, ClinGen allele CA2580064473.